The following is an entry in ClinVar:

NM_017780.4(CHD7):c.3241A>T (p.Ile1081Phe)

Gene: CHD7 (chromodomain helicase DNA binding protein 7; plus strand). Cytogenetic location: 8q12.2.
Variant type: single nucleotide variant.
Coding change: c.3241A>T on transcript NM_017780.4 (MANE Select); coding-DNA position 3241, A replaced by T.
Protein change: p.Ile1081Phe; replaces isoleucine 1081 with phenylalanine.
Molecular consequence: missense variant. On other transcripts: intron variant (1).
Genome position (GRCh38, 1-based): chr8:60,823,879, A>T. VCF-style: chr8-60823879-A-T. GRCh37 (hg19) VCF-style: chr8-61736438-A-T.
Other names: c.3241A>T; p.I1081F; p.Ile1081Phe; c.3241A>T (LRG_176t1); c.1717-38350A>T (NM_001316690.1); short protein forms I1081F.
Identifiers: ClinVar variation 267424 (VCV000267424.6), dbSNP rs768184220, ClinGen allele CA10602491.

ClinVar aggregate classification (germline): Conflicting classifications of pathogenicity. Review status: criteria provided, conflicting classifications (1 of 4 stars). 4 submissions from 4 submitters: Likely pathogenic (3); Uncertain significance (1). Last evaluated 2024-08-01.

Conditions:
Inborn genetic diseases. Identifiers: MedGen C0950123, MeSH D030342.
CHARGE syndrome (CHARGE). Also called: Hittner Hirsch Kreh syndrome; Coloboma, heart anomaly, choanal atresia, retardation, genital and ear anomalies; CHARGE association; Hall-Hittner syndrome; CHARGE ASSOCIATION--COLOBOMA, HEART ANOMALY, CHOANAL ATRESIA, RETARDATION, GENITAL AND EAR ANOMALIES. Identifiers: Orphanet 138, MedGen C0265354, MONDO:0008965.
Hypogonadotropic hypogonadism 5 with or without anosmia (KAL5). Also called: CHD7-Related GnRH Deficiency (Kallmann Syndrome 5); HYPOGONADOTROPIC HYPOGONADISM 5 WITH ANOSMIA; HYPOGONADOTROPHIC HYPOGONADISM 5 WITHOUT ANOSMIA. Identifiers: Orphanet 478, MedGen C3552553, MONDO:0012880, OMIM 612370. Disease mechanism: loss of function.

Submissions (4):

Centro Nacional de Genética Medica, Administración Nacional de Laboratorios e Institutos de Salud (ANLIS) “Dr. Carlos G Malbrán”
Classification: Likely pathogenic for CHD7-related CHARGE syndrome. Last evaluated: 2024-08-01. Review status: criteria provided, single submitter. Criteria: ACMG Guidelines, 2015. Collection method: research. Allele origin: germline. Affected: yes. Observed: 1 variant allele.
Comment: The c.3241A>T, variant found is located in exon 13 of CHD7.

Ambry Genetics
Classification: Uncertain significance for Inborn genetic diseases. Last evaluated: 2021-12-03. Review status: criteria provided, single submitter. Criteria: Ambry Variant Classification Scheme 2023. Collection method: clinical testing. Allele origin: germline.

Baylor Genetics
Classification: Likely pathogenic for Hypogonadotropic hypogonadism 5 with or without anosmia. Last evaluated: 2018-03-22. Review status: criteria provided, single submitter. Criteria: ACMG Guidelines, 2015. Collection method: clinical testing. Allele origin: de novo. Affected: yes.
Comment: This variant was determined to be likely pathogenic according to ACMG Guidelines, 2015 [PMID:25741868].

Genomic Diagnostic Laboratory, Division of Genomic Diagnostics, Children's Hospital of Philadelphia
Classification: Likely pathogenic for CHARGE syndrome. Last evaluated: 2016-09-05. Review status: criteria provided, single submitter. Criteria: DGD Variant Analysis Guidelines. Collection method: clinical testing. Allele origin: germline. Affected: yes. Observed: 1 variant allele.
Comment: Clinical Testing